The following is an entry in ClinVar:

ClinVar aggregate classification (germline): Uncertain significance. Review status: criteria provided, multiple submitters, no conflicts (2 of 4 stars). 4 submissions from 4 submitters: Uncertain significance (4). Last evaluated 2025-08-27.

Conditions:
Ehlers-Danlos syndrome, spondylodysplastic type, 3. Also called: Ehlers-Danlos syndrome, spondylocheirodysplastic type. Identifiers: Orphanet 157965, MedGen C2676510, MONDO:0012873, OMIM 612350.
Inborn genetic diseases. Identifiers: MedGen C0950123, MeSH D030342.

Allele frequency attached by ClinVar (database versions not stated): gnomAD exomes 0.00001 and 0.00002; ExAC 0.00002; gnomAD 0.00003 and 0.00004; TOPMed 0.00004.
gnomAD v4.1: 15 of 1,613,884 alleles (0.00093%); highest among the groups gnomAD compares: Non-Finnish European, 0.0013%; no homozygotes.

Submissions (4):

GeneDx
Classification: Uncertain significance. Last evaluated: 2025-08-27. Review status: criteria provided, single submitter. Criteria: GeneDx Variant Classification Process June 2021. Collection method: clinical testing. Allele origin: germline. Affected: yes.
Comment: Has not been previously published as pathogenic or benign to our knowledge; Not observed at significant frequency in large population cohorts (gnomAD); In silico analysis suggests that this missense variant does not alter protein structure/function

Labcorp Genetics (formerly Invitae), Labcorp
Classification: Uncertain significance for Ehlers-Danlos syndrome, spondylodysplastic type, 3. Last evaluated: 2024-01-08. Review status: criteria provided, single submitter. Criteria: Invitae Variant Classification Sherloc (09022015). Collection method: clinical testing. Allele origin: germline.
Comment: This sequence change replaces serine, which is neutral and polar, with asparagine, which is neutral and polar, at codon 39 of the SLC39A13 protein (p.Ser39Asn). This variant is present in population databases (rs775918761, gnomAD 0.003%). This variant has not been reported in the literature in individuals affected with SLC39A13-related conditions. ClinVar contains an entry for this variant (Variation ID: 452270). Algorithms developed to predict the effect of missense changes on protein structure and function output the following: SIFT: "Not Available"; PolyPhen-2: "Benign"; Align-GVGD: "Not Available". The asparagine amino acid residue is found in multiple mammalian species, which suggests that this missense change does not adversely affect protein function. In summary, the available evidence is currently insufficient to determine the role of this variant in disease. Therefore, it has been classified as a Variant of Uncertain Significance.

Mayo Clinic Laboratories, Mayo Clinic
Classification: Uncertain significance. Last evaluated: 2022-01-05. Review status: criteria provided, single submitter. Criteria: ACMG Guidelines, 2015. Collection method: clinical testing. Allele origin: germline.

Ambry Genetics
Classification: Uncertain significance for Inborn genetic diseases. Last evaluated: 2021-09-17. Review status: criteria provided, single submitter. Criteria: Ambry Variant Classification Scheme 2023. Collection method: clinical testing. Allele origin: germline.

NM_001128225.3(SLC39A13):c.116G>A (p.Ser39Asn)

Gene: SLC39A13 (solute carrier family 39 member 13; plus strand). Cytogenetic location: 11p11.2.
Variant type: single nucleotide variant.
Coding change: c.116G>A on transcript NM_001128225.3 (MANE Select); coding-DNA position 116, G replaced by A.
Protein change: p.Ser39Asn; replaces serine 39 with asparagine.
Molecular consequence: missense variant. On other transcripts: non-coding transcript variant (1).
Genome position (GRCh38, 1-based): chr11:47,410,210, G>A. VCF-style: chr11-47410210-G-A. GRCh37 (hg19) VCF-style: chr11-47431761-G-A.
Other names: p.Ser39Asn; c.116G>A, p.Ser39Asn (NM_001330245.2, NM_152264.5); short protein forms S39N.
Identifiers: ClinVar variation 452270 (VCV000452270.13), dbSNP rs775918761, ClinGen allele CA5975667.